The following is an entry in ClinVar:

ClinVar aggregate classification (germline): Conflicting classifications of pathogenicity. Review status: criteria provided, conflicting classifications (1 of 4 stars). 3 submissions from 3 submitters: Likely pathogenic (1); Uncertain significance (2). Last evaluated 2022-11-15.

Conditions:
Developmental and epileptic encephalopathy, 45 (DEE45). Also called: Epileptic encephalopathy, early infantile, 45. Identifiers: MedGen C4310691, MONDO:0014942, OMIM 617153.
GABRB1-related disorder. Also called: GABRB1-related condition.

Submissions (3):

PreventionGenetics, part of Exact Sciences
Classification: Uncertain significance for GABRB1-related condition. Last evaluated: 2022-11-15. Review status: criteria provided, single submitter. Criteria: ACMG Guidelines, 2015. Collection method: clinical testing. Allele origin: germline.
Comment: The GABRB1 c.757C>T variant is predicted to result in the amino acid substitution p.Pro253Ser. To our knowledge, this variant has not been reported in the literature or in a large population database, indicating this variant is rare. This variant has been interpreted as likely pathogenic in ClinVar by a laboratory that found this variant as de novo in a patient. At this time, the clinical significance of this variant is uncertain due to the absence of conclusive functional and genetic evidence.

Labcorp Genetics (formerly Invitae), Labcorp
Classification: Uncertain significance. Last evaluated: 2022-10-18. Review status: criteria provided, single submitter. Criteria: Invitae Variant Classification Sherloc (09022015). Collection method: clinical testing. Allele origin: germline.
Comment: This sequence change replaces proline, which is neutral and non-polar, with serine, which is neutral and polar, at codon 253 of the GABRB1 protein (p.Pro253Ser). This variant is not present in population databases (gnomAD no frequency). This variant has not been reported in the literature in individuals affected with GABRB1-related conditions. ClinVar contains an entry for this variant (Variation ID: 1299345). Advanced modeling of protein sequence and biophysical properties (such as structural, functional, and spatial information, amino acid conservation, physicochemical variation, residue mobility, and thermodynamic stability) performed at Invitae indicates that this missense variant is expected to disrupt GABRB1 protein function. In summary, the available evidence is currently insufficient to determine the role of this variant in disease. Therefore, it has been classified as a Variant of Uncertain Significance.

Institute of Human Genetics, University of Leipzig Medical Center
Classification: Likely pathogenic for Developmental and epileptic encephalopathy, 45. Last evaluated: 2021-12-06. Review status: criteria provided, single submitter. Criteria: ACMG Guidelines, 2015. Collection method: clinical testing. Allele origin: de novo. Affected: yes.
Comment: This variant was identified as de novo (maternity and paternity confirmed)._x000D_ Criteria applied: PS2_MOD, PM1, PM2_SUP, PP3

NM_000812.4(GABRB1):c.757C>T (p.Pro253Ser)

Gene: GABRB1 (gamma-aminobutyric acid type A receptor subunit beta1; plus strand). Cytogenetic location: 4p12.
Variant type: single nucleotide variant.
Coding change: c.757C>T on transcript NM_000812.4 (MANE Select); coding-DNA position 757, C replaced by T.
Protein change: p.Pro253Ser; replaces proline 253 with serine.
Molecular consequence: missense variant.
Genome position (GRCh38, 1-based): chr4:47,403,633, C>T. VCF-style: chr4-47403633-C-T. GRCh37 (hg19) VCF-style: chr4-47405650-C-T.
Other names: c.757C>T (NM_000812.3); short protein forms P253S.
Identifiers: ClinVar variation 1299345 (VCV001299345.8), dbSNP rs2110051822, ClinGen allele CA356810845.